The following is an entry in ClinVar:

ClinVar aggregate classification (germline): Uncertain significance (1 of 4 stars; one submission).

Submission:

Labcorp Genetics (formerly Invitae), Labcorp
Classification: Uncertain significance. Last evaluated: 2025-04-28. Review status: criteria provided, single submitter. Criteria: Invitae Variant Classification Sherloc (09022015). Collection method: clinical testing. Allele origin: germline.
Comment: This sequence change creates a premature translational stop signal (p.Arg197Glyfs*19) in the ESR2 gene. It is expected to result in an absent or disrupted protein product. However, the current clinical and genetic evidence is not sufficient to establish whether loss-of-function variants in ESR2 cause disease. This variant is not present in population databases (gnomAD no frequency). This variant has not been reported in the literature in individuals affected with ESR2-related conditions. ClinVar contains an entry for this variant (Variation ID: 3695570). In summary, the available evidence is currently insufficient to determine the role of this variant in disease. Therefore, it has been classified as a Variant of Uncertain Significance.

NM_001437.3(ESR2):c.589del (p.Arg197fs)

Gene: ESR2 (estrogen receptor 2; minus strand). Cytogenetic location: 14q23.2.
Variant type: Deletion.
Coding change: c.589del on transcript NM_001437.3 (MANE Select); coding-DNA position 589, one base deleted (C; older notation c.589delC).
Protein change: p.Arg197fs; shifts the reading frame from arginine 197.
Molecular consequence: frameshift variant. On other transcripts: non-coding transcript variant (2).
Genome position (GRCh38, 1-based): chr14:64,268,858, G deleted on the plus strand (C on the coding strand, the reverse complement: ESR2 is on the minus strand); the first of 2 consecutive G bases (chr14:64,268,858-64,268,859); deleting either gives the same sequence. VCF-style (leftmost placement, unchanged base first): chr14-64268857-CG-C. GRCh37 (hg19) VCF-style: chr14-64735575-CG-C.
Other names: c.589del, p.Arg197fs (NM_001040275.1, NM_001214902.1, NM_001271876.1 and 3 more transcripts); short protein forms R197fs.
Identifiers: ClinVar variation 3695570 (VCV003695570.2).